The following is an entry in ClinVar:

NM_001369268.1(ACAN):c.1195C>T (p.Leu399Phe)

Gene: ACAN (aggrecan; plus strand). Cytogenetic location: 15q26.1.
Variant type: single nucleotide variant.
Coding change: c.1195C>T on transcript NM_001369268.1 (MANE Select); coding-DNA position 1195, C replaced by T.
Protein change: p.Leu399Phe; replaces leucine 399 with phenylalanine.
Molecular consequence: missense variant.
Genome position (GRCh38, 1-based): chr15:88,845,648, C>T. VCF-style: chr15-88845648-C-T. GRCh37 (hg19) VCF-style: chr15-89388879-C-T.
Other names: c.1195C>T, p.Leu399Phe (NM_001135.4, NM_001411096.1, NM_001411097.1 and 1 more transcripts); short protein forms L399F.
Identifiers: ClinVar variation 2635771 (VCV002635771.5), dbSNP rs758765920, ClinGen allele CA7719488.

ClinVar aggregate classification (germline): Uncertain significance. Review status: criteria provided, multiple submitters, no conflicts (2 of 4 stars). 3 submissions from 3 submitters: Uncertain significance (3). Last evaluated 2026-06-11.

Conditions:
ACAN-related disorder. Also called: ACAN-related disorders; ACAN-related condition.
Inborn genetic diseases. Identifiers: MedGen C0950123, MeSH D030342.

Allele frequency attached by ClinVar (database versions not stated): gnomAD exomes 0.00001; ExAC 0.00002; gnomAD 0.00001; TOPMed 0.00002.

Submissions (3):

Ambry Genetics
Classification: Uncertain significance for Inborn genetic diseases. Last evaluated: 2026-06-11. Review status: criteria provided, single submitter. Criteria: Ambry Variant Classification Scheme 2023. Collection method: clinical testing. Allele origin: germline.

Labcorp Genetics (formerly Invitae), Labcorp
Classification: Uncertain significance. Last evaluated: 2026-01-12. Review status: criteria provided, single submitter. Criteria: Invitae Variant Classification Sherloc (09022015). Collection method: clinical testing. Allele origin: germline.
Comment: This sequence change replaces leucine, which is neutral and non-polar, with phenylalanine, which is neutral and non-polar, at codon 399 of the ACAN protein (p.Leu399Phe). This variant is present in population databases (rs758765920, gnomAD 0.002%). This variant has not been reported in the literature in individuals affected with ACAN-related conditions. ClinVar contains an entry for this variant (Variation ID: 2635771). Invitae Evidence Modeling of protein sequence and biophysical properties (such as structural, functional, and spatial information, amino acid conservation, physicochemical variation, residue mobility, and thermodynamic stability) indicates that this missense variant is not expected to disrupt ACAN protein function with a negative predictive value of 80%. In summary, the available evidence is currently insufficient to determine the role of this variant in disease. Therefore, it has been classified as a Variant of Uncertain Significance.

PreventionGenetics, part of Exact Sciences
Classification: Uncertain significance for ACAN-related condition. Last evaluated: 2023-08-10. Review status: criteria provided, single submitter. Criteria: ACMG Guidelines, 2015. Collection method: clinical testing. Allele origin: germline.
Comment: The ACAN c.1195C>T variant is predicted to result in the amino acid substitution p.Leu399Phe. To our knowledge, this variant has not been reported in the literature. This variant is reported in 0.00089% of alleles in individuals of European (Non-Finnish) descent in gnomAD. At this time, the clinical significance of this variant is uncertain due to the absence of conclusive functional and genetic evidence.